The following is an entry in ClinVar:

NM_001042492.3(NF1):c.7269C>T (p.His2423=)

Gene: NF1 (neurofibromin 1; plus strand). Cytogenetic location: 17q11.2.
Variant type: single nucleotide variant.
Coding change: c.7269C>T on transcript NM_001042492.3 (MANE Select); coding-DNA position 7269, C replaced by T.
Protein change: p.His2423=; no amino-acid change (histidine 2423 retained).
Molecular consequence: synonymous variant.
Genome position (GRCh38, 1-based): chr17:31,349,199, C>T. VCF-style: chr17-31349199-C-T. GRCh37 (hg19) VCF-style: chr17-29676217-C-T.
Other names: c.7206C>T, p.His2402= (NM_000267.4).
Identifiers: ClinVar variation 1935842 (VCV001935842.7), dbSNP rs2151572773, ClinGen allele CA499239115.
Genomic context (GRCh38, chr17:31,349,199, plus strand): 5'-TGCTATTGTTGCAAGAACAGTCAGAATTTTACATACACTACTAACTCTGGTTAACAAACA[C>T]AGAAATTGTGACAAATTTGAAGTGAATACACAGAGCGTGGCCTACTTAGCAGGTAAAAAC-3'
Protein context (NP_001035957.1, residues 2413-2433): LHTLLTLVNK[His2423=]RNCDKFEVNT

ClinVar aggregate classification (germline): Benign/Likely benign. Review status: criteria provided, multiple submitters, no conflicts (2 of 4 stars). 3 submissions from 3 submitters: Benign (1); Likely benign (2). Last evaluated 2026-05-21.

Conditions:
Neurofibromatosis, type 1 (NF1). Also called: Neurofibromatosis, type I; NEUROFIBROMATOSIS, TYPE I, SOMATIC; Peripheral type neurofibromatosis; VON RECKLINGHAUSEN DISEASE. Identifiers: Orphanet 636, MedGen C0027831, MONDO:0018975, OMIM 162200. Disease mechanism: loss of function.
Hereditary cancer-predisposing syndrome. Also called: Neoplastic Syndromes, Hereditary; Tumor predisposition; Hereditary Cancer Syndrome; Hereditary neoplastic syndrome. Identifiers: Orphanet 140162, MedGen C0027672, MeSH D009386, MONDO:0015356.
Cardiovascular phenotype. Identifiers: MedGen CN230736.

Submissions (3):

Myriad Genetics, Inc.
Classification: Benign for Neurofibromatosis, type 1. Last evaluated: 2026-05-21. Review status: criteria provided, single submitter. Criteria: Myriad Autosomal Dominant, Autosomal Recessive and X-Linked Classification Criteria (2023). Collection method: clinical testing. Allele origin: unknown.
Comment: This variant is considered benign. This variant is a silent/synonymous amino acid change and it is not expected to impact splicing.

Labcorp Genetics (formerly Invitae), Labcorp
Classification: Likely benign for Neurofibromatosis, type 1. Last evaluated: 2025-03-09. Review status: criteria provided, single submitter. Criteria: Invitae Variant Classification Sherloc (09022015). Collection method: clinical testing. Allele origin: germline.

Ambry Genetics
Classification: Likely benign for Cardiovascular phenotype; Hereditary cancer-predisposing syndrome. Last evaluated: 2023-03-19. Review status: criteria provided, single submitter. Criteria: Ambry Variant Classification Scheme 2023. Collection method: clinical testing. Allele origin: germline.